The following is an entry in ClinVar:

ClinVar aggregate classification (germline): Likely benign. Review status: criteria provided, multiple submitters, no conflicts (2 of 4 stars). 3 submissions from 3 submitters: Likely benign (2). 1 of the submissions does not count toward it. Last evaluated 2025-10-07.

Conditions:
ABCC2-related disorder. Also called: ABCC2-related condition.

gnomAD v4.1: 76 of 1,613,900 alleles (0.0047%); highest among the groups gnomAD compares: Non-Finnish European, 0.0062%; no homozygotes.

Submissions (3):

Mayo Clinic Laboratories, Mayo Clinic
Classification: Likely benign. Last evaluated: 2025-10-07. Review status: criteria provided, single submitter. Criteria: ACMG Guidelines, 2015. Collection method: clinical testing. Allele origin: germline. Observed: 1 variant allele.
Comment: BP4, BP7

Labcorp Genetics (formerly Invitae), Labcorp
Classification: Likely benign. Last evaluated: 2024-04-17. Review status: criteria provided, single submitter. Criteria: Invitae Variant Classification Sherloc (09022015). Collection method: clinical testing. Allele origin: germline.

PreventionGenetics, part of Exact Sciences
Classification: Likely benign for ABCC2-related condition. Last evaluated: 2023-06-21. Review status: no assertion criteria provided. Collection method: clinical testing. Allele origin: germline. Not counted in ClinVar's aggregate classification.
Comment: This variant is classified as likely benign based on ACMG/AMP sequence variant interpretation guidelines (Richards et al. 2015 PMID: 25741868, with internal and published modifications).

Literature cited by the submitters: PubMed 18673259 (cited by Mayo Clinic Laboratories, Mayo Clinic).

NM_000392.5(ABCC2):c.1434G>T (p.Ala478=)

Gene: ABCC2 (ATP binding cassette subfamily C member 2; plus strand). Cytogenetic location: 10q24.2.
Variant type: single nucleotide variant.
Coding change: c.1434G>T on transcript NM_000392.5 (MANE Select); coding-DNA position 1434, G replaced by T.
Protein change: p.Ala478=; no amino-acid change (alanine 478 retained).
Molecular consequence: synonymous variant.
Genome position (GRCh38, 1-based): chr10:99,804,243, G>T. VCF-style: chr10-99804243-G-T. GRCh37 (hg19) VCF-style: chr10-101564000-G-T.
Other names: p.Ala478=; c.1434G>T (NM_000392.4).
Identifiers: ClinVar variation 2062339 (VCV002062339.7), dbSNP rs4267009, ClinGen allele CA5643171.